The following is an entry in ClinVar:

ClinVar aggregate classification (germline): Uncertain significance. Review status: criteria provided, multiple submitters, no conflicts (2 of 4 stars). 2 submissions from 2 submitters: Uncertain significance (2). Last evaluated 2025-06-22.

Conditions:
Inborn genetic diseases. Identifiers: MedGen C0950123, MeSH D030342.

Submissions (2):

Ambry Genetics
Classification: Uncertain significance for Inborn genetic diseases. Last evaluated: 2025-06-22. Review status: criteria provided, single submitter. Criteria: Ambry Variant Classification Scheme 2023. Collection method: clinical testing. Allele origin: germline.

Labcorp Genetics (formerly Invitae), Labcorp
Classification: Uncertain significance. Last evaluated: 2021-02-26. Review status: criteria provided, single submitter. Criteria: Invitae Variant Classification Sherloc (09022015). Collection method: clinical testing. Allele origin: germline.
Comment: This sequence change replaces arginine with glycine at codon 506 of the CACNA1F protein (p.Arg506Gly). The arginine residue is weakly conserved and there is a moderate physicochemical difference between arginine and glycine. This variant is not present in population databases (ExAC no frequency). This variant has not been reported in the literature in individuals with CACNA1F-related conditions. Algorithms developed to predict the effect of missense changes on protein structure and function (SIFT, PolyPhen-2, Align-GVGD) all suggest that this variant is likely to be tolerated, but these predictions have not been confirmed by published functional studies and their clinical significance is uncertain. In summary, the available evidence is currently insufficient to determine the role of this variant in disease. Therefore, it has been classified as a Variant of Uncertain Significance.

NM_001256789.3(CACNA1F):c.1483A>G (p.Arg495Gly)

Gene: CACNA1F (calcium voltage-gated channel subunit alpha1 F; minus strand). Cytogenetic location: Xp11.23.
Variant type: single nucleotide variant.
Coding change: c.1483A>G on transcript NM_001256789.3 (MANE Select); coding-DNA position 1483, A replaced by G.
Protein change: p.Arg495Gly; replaces arginine 495 with glycine.
Molecular consequence: missense variant.
Genome position (GRCh38, 1-based): chrX:49,226,224, T>C on the plus strand (A>G on the coding strand, the complement: CACNA1F is on the minus strand). VCF-style: chrX-49226224-T-C. GRCh37 (hg19) VCF-style: chrX-49082686-T-C.
Other names: c.1516A>G (NM_005183.2); c.1321A>G, p.Arg441Gly (NM_001256790.3); c.1516A>G, p.Arg506Gly (NM_005183.4); short protein forms R441G, R495G, R506G.
Identifiers: ClinVar variation 1475993 (VCV001475993.9), dbSNP rs2147918607, ClinGen allele CA412916807.
Genomic context (GRCh38, chrX:49,226,224, plus strand): 5'-TGGGGGGTTTCAAAGTTATGGAGTCAAGGATTTGCACAACTTTCCCAACTCACCAGACTC[T>C]GGTTTTCATGATCTTGTTTCTGAAAAAGAAGGGGGATGGGAGGTGTGTGTCGTAAAGGGC-3'
Protein context (NP_001243718.1, residues 485-505): TRCLNKIMKT[Arg495Gly]VCRRLRRANR